The following is an entry in ClinVar:

NM_001184.4(ATR):c.722G>A (p.Ser241Asn)

Gene: ATR (ATR checkpoint kinase; minus strand). Cytogenetic location: 3q23.
Variant type: single nucleotide variant.
Coding change: c.722G>A on transcript NM_001184.4 (MANE Select); coding-DNA position 722, G replaced by A.
Protein change: p.Ser241Asn; replaces serine 241 with asparagine.
Molecular consequence: missense variant.
Genome position (GRCh38, 1-based): chr3:142,562,680, C>T on the plus strand (G>A on the coding strand, the complement: ATR is on the minus strand). VCF-style: chr3-142562680-C-T. GRCh37 (hg19) VCF-style: chr3-142281522-C-T.
Other names: c.722G>A, p.Ser241Asn (NM_001354579.2); short protein forms S241N.
Identifiers: ClinVar variation 1757811 (VCV001757811.2), dbSNP rs1376739546, ClinGen allele CA354825841.

ClinVar aggregate classification (germline): Uncertain significance (1 of 4 stars; one submission).

Conditions:
Inborn genetic diseases. Identifiers: MedGen C0950123, MeSH D030342.

Allele frequency attached by ClinVar (database versions not stated): gnomAD exomes 0.00001.

Submission:

Ambry Genetics
Classification: Uncertain significance for Inborn genetic diseases. Last evaluated: 2023-12-04. Review status: criteria provided, single submitter. Criteria: Ambry Variant Classification Scheme 2023. Collection method: clinical testing. Allele origin: germline.
Comment: The p.S241N variant (also known as c.722G>A), located in coding exon 4 of the ATR gene, results from a G to A substitution at nucleotide position 722. The serine at codon 241 is replaced by asparagine, an amino acid with highly similar properties. This amino acid position is conserved. In addition, this alteration is predicted to be tolerated by in silico analysis. Since supporting evidence is limited at this time, the clinical significance of this alteration remains unclear.